The following is an entry in ClinVar:

ClinVar aggregate classification (germline): Likely benign (1 of 4 stars; one submission).

gnomAD v4.1: 209 of 1,613,842 alleles (0.013%); highest among the groups gnomAD compares: Non-Finnish European, 0.017%; no homozygotes.

Submissions (3):

CeGaT Center for Human Genetics Tuebingen
Classification: Likely benign. Last evaluated: 2025-11-01. Review status: criteria provided, single submitter. Criteria: CeGaT Center For Human Genetics Tuebingen Variant Classification Criteria Version 2. Collection method: clinical testing. Allele origin: germline. Affected: yes. Observed: 1 variant allele.
Comment: ATG7: BP4, BP7

Dr. Peter K. Rogan Lab, Western University
No classification provided (evidence only). Condition: Clear cell carcinoma of kidney. Review status: no classification provided. Collection method: in vitro. Allele origin: not applicable. Functional consequence: skipped exon. Not counted in ClinVar's aggregate classification.

Dr. Peter K. Rogan Lab, Western University
No classification provided (evidence only). Condition: Melanoma. Review status: no classification provided. Collection method: in vitro. Allele origin: not applicable. Functional consequence: skipped exon. Not counted in ClinVar's aggregate classification.

NM_001349232.2(ATG7):c.1134C>T (p.Gly378=)

Gene: ATG7 (autophagy related 7; plus strand). Cytogenetic location: 3p25.3.
Variant type: single nucleotide variant.
Coding change: c.1134C>T on transcript NM_001349232.2 (MANE Select); coding-DNA position 1134, C replaced by T.
Protein change: p.Gly378=; no amino-acid change (glycine 378 retained).
Molecular consequence: synonymous variant. On other transcripts: intron variant (1).
Genome position (GRCh38, 1-based): chr3:11,347,885, C>T. VCF-style: chr3-11347885-C-T. GRCh37 (hg19) VCF-style: chr3-11389359-C-T.
Other names: NC_000003.11:g.11389359C>T; c.1134C>T, p.Gly378= (NM_001136031.3, NM_001349233.2, NM_001349234.2 and 2 more transcripts); c.1017C>T, p.Gly339= (NM_001144912.2, NM_001349236.2); c.201C>T, p.Gly67= (NM_001349238.2); c.1125+5606C>T (NM_001349237.2).
Identifiers: ClinVar variation 4519298 (VCV004519298.7).
Genomic context (GRCh38, chr3:11,347,885, plus strand): 5'-ACCCTGTGAAATGTTCATCAGAAACACACCATGATCTCCTGTTTCCACACAGGGTTGGGG[C>T]GTGAGACACATCACATTTGTGGACAATGCCAAGATCTCCTACTCCAATCCTGTGAGGCAG-3'
Protein context (NP_001336161.1, residues 368-388): CNVARTLMGW[Gly378=]VRHITFVDNA